The following is an entry in ClinVar:

NM_004369.4(COL6A3):c.8744C>T (p.Ala2915Val)

Gene: COL6A3 (collagen type VI alpha 3 chain; minus strand). Cytogenetic location: 2q37.3.
Variant type: single nucleotide variant.
Coding change: c.8744C>T on transcript NM_004369.4 (MANE Select); coding-DNA position 8744, C replaced by T.
Protein change: p.Ala2915Val; replaces alanine 2915 with valine.
Molecular consequence: missense variant.
Genome position (GRCh38, 1-based): chr2:237,336,356, G>A on the plus strand (C>T on the coding strand, the complement: COL6A3 is on the minus strand). VCF-style: chr2-237336356-G-A. GRCh37 (hg19) VCF-style: chr2-238244999-G-A.
Other names: c.6923C>T, p.Ala2308Val (NM_057166.5); c.8126C>T, p.Ala2709Val (NM_057167.4); short protein forms A2915V, A2308V, A2709V.
Identifiers: ClinVar variation 288504 (VCV000288504.19), dbSNP rs751532649, ClinGen allele CA2187451.
Genomic context (GRCh38, chr2:237,336,356, plus strand): 5'-GCCACTGGGGGTCTAACAGTGGCCATCTTTGTGGCCACAGGCTTGGCAGCCACAGGTTTC[G>A]CAGGGGCCGGCTTTGCAGCGGCTGGCTTCACAGATGGCTGATTTATAATAGTCACAGGCT-3'
Protein context (NP_004360.2, residues 2905-2925): VKPAAAKPAP[Ala2915Val]KPVAAKPVAT

ClinVar aggregate classification (germline): Conflicting classifications of pathogenicity. Review status: criteria provided, conflicting classifications (1 of 4 stars). 5 submissions from 5 submitters: Uncertain significance (4); Benign (1). Last evaluated 2025-12-12.

Conditions:
COL6A3-related disorder. Also called: COL6A3-related condition; COL6A3-related disorders.
Bethlem myopathy 1A. Also called: MYOPATHY, BENIGN CONGENITAL, WITH CONTRACTURES; Bethlem myopathy 1; Bethlem Muscular Dystrophy. Identifiers: Orphanet 610, MedGen CN029274, MONDO:0024530, OMIM 158810.

Allele frequency attached by ClinVar (database versions not stated): gnomAD 0.00003; gnomAD exomes 0.00004; ExAC 0.00007; TOPMed 0.00008.
gnomAD v4.1: 61 of 1,613,556 alleles (0.0038%); highest among the groups gnomAD compares: East Asian, 0.011%; no homozygotes.

Submissions (5):

Labcorp Genetics (formerly Invitae), Labcorp
Classification: Benign for Bethlem myopathy 1A. Last evaluated: 2025-12-12. Review status: criteria provided, single submitter. Criteria: Invitae Variant Classification Sherloc (09022015). Collection method: clinical testing. Allele origin: germline.

PreventionGenetics, part of Exact Sciences
Classification: Uncertain significance for COL6A3-related condition. Last evaluated: 2025-09-26. Review status: criteria provided, single submitter. Criteria: ACMG Guidelines, 2015. Collection method: clinical testing. Allele origin: germline.
Comment: The COL6A3 c.8744C>T variant is predicted to result in the amino acid substitution p.Ala2915Val. This variant was reported in an individual with clinically suspected limb-girdle muscular dystrophy (Table s7, Nallamilli et al. 2018. PubMed ID: 30564623). This variant is reported in 0.020% of alleles in individuals of East Asian descent in gnomAD. At this time, the clinical significance of this variant is uncertain due to the absence of conclusive functional and genetic evidence.

Revvity Omics, Revvity
Classification: Uncertain significance. Last evaluated: 2024-05-03. Review status: criteria provided, single submitter. Criteria: ACMG Guidelines, 2015. Collection method: clinical testing. Allele origin: germline.

GeneDx
Classification: Uncertain significance. Last evaluated: 2016-12-15. Review status: criteria provided, single submitter. Criteria: GeneDx Variant Classification (06012015). Collection method: clinical testing. Allele origin: germline. Affected: yes.
Comment: The A2915V variant has not been published as a pathogenic variant, nor has it been reported as a benign variant to our knowledge. The A2915V variant is observed in 3/8644 (0.035%) alleles from individuals of Asian background (Lek et al., 2016; 1000 Genomes Consortium et al., 2015; Exome Variant Server). This variant is a conservative amino acid substitution, which is not likely to impact secondary protein structure as these residues share similar properties. This substitution occurs at a position that is not conserved. In silico analysis is inconsistent in its predictions as to whether or not the variant is damaging to the protein structure/function.

Eurofins Ntd Llc (ga)
Classification: Uncertain significance. Last evaluated: 2016-06-06. Review status: criteria provided, single submitter. Criteria: EGL Classification Definitions 2015. Collection method: clinical testing. Allele origin: germline. Observed: 2 variant alleles, 2 heterozygotes.